The following is an entry in ClinVar:

ClinVar aggregate classification (germline): Uncertain significance. Review status: criteria provided, multiple submitters, no conflicts (2 of 4 stars). 2 submissions from 2 submitters: Uncertain significance (2). Last evaluated 2024-05-06.

Conditions:
Tuberous sclerosis 1 (TSC1). Identifiers: Orphanet 805, MedGen C1854465, MONDO:0008612, OMIM 191100.

Submissions (2):

Labcorp Genetics (formerly Invitae), Labcorp
Classification: Uncertain significance for Tuberous sclerosis 1. Last evaluated: 2024-05-06. Review status: criteria provided, single submitter. Criteria: Invitae Variant Classification Sherloc (09022015). Collection method: clinical testing. Allele origin: germline.
Comment: This sequence change replaces arginine, which is basic and polar, with threonine, which is neutral and polar, at codon 1055 of the TSC1 protein (p.Arg1055Thr). This variant is not present in population databases (gnomAD no frequency). This variant has not been reported in the literature in individuals affected with TSC1-related conditions. Advanced modeling of protein sequence and biophysical properties (such as structural, functional, and spatial information, amino acid conservation, physicochemical variation, residue mobility, and thermodynamic stability) performed at Invitae indicates that this missense variant is not expected to disrupt TSC1 protein function with a negative predictive value of 95%. In summary, the available evidence is currently insufficient to determine the role of this variant in disease. Therefore, it has been classified as a Variant of Uncertain Significance.

Blueprint Genetics
Classification: Uncertain significance. Last evaluated: 2019-12-18. Review status: criteria provided, single submitter. Criteria: ACMG Guidelines, 2015. Collection method: clinical testing. Allele origin: germline.

NM_000368.5(TSC1):c.3164G>C (p.Arg1055Thr)

Gene: TSC1 (TSC complex subunit 1; minus strand). Cytogenetic location: 9q34.13.
Variant type: single nucleotide variant.
Coding change: c.3164G>C on transcript NM_000368.5 (MANE Select); coding-DNA position 3164, G replaced by C.
Protein change: p.Arg1055Thr; replaces arginine 1055 with threonine.
Molecular consequence: missense variant. On other transcripts: non-coding transcript variant (5).
Genome position (GRCh38, 1-based): chr9:132,896,566, C>G on the plus strand (G>C on the coding strand, the complement: TSC1 is on the minus strand). VCF-style: chr9-132896566-C-G. GRCh37 (hg19) VCF-style: chr9-135771953-C-G.
Other names: c.3161G>C, p.Arg1054Thr (NM_001162426.2, NM_001406597.1, NM_001406598.1 and 2 more transcripts); c.3011G>C, p.Arg1004Thr (NM_001162427.2, NM_001406610.1); c.2801G>C, p.Arg934Thr (NM_001362177.2, NM_001406614.1, NM_001406615.1 and 4 more transcripts); c.3164G>C, p.Arg1055Thr (NM_001406592.1, NM_001406593.1, NM_001406594.1 and 2 more transcripts); c.3149G>C, p.Arg1050Thr (NM_001406601.1, NM_001406602.1); c.3146G>C, p.Arg1049Thr (NM_001406603.1, NM_001406604.1); c.3122G>C, p.Arg1041Thr (NM_001406605.1, NM_001406606.1, NM_001406607.1); c.3119G>C, p.Arg1040Thr (NM_001406608.1, NM_001406609.1); and 8 more; short protein forms R1003T, R933T, R1004T, R1040T, R1049T, R1050T, R1054T, R704T.
Identifiers: ClinVar variation 3652392 (VCV003652392.3).
Genomic context (GRCh38, chr9:132,896,566, plus strand): 5'-GGGATGCTGGCAGACGCTTCTCCCATAGTCGTCTCCCACCGACTGCTGAATGGGCCTGCC[C>G]TCTGGTGTGGGGGTTTCTCTGGGGTAGAAAGCTCGCTGCTGCTGCTGCTGCTGCCTCCAC-3'
Protein context (NP_000359.1, residues 1045-1065): LSTPEKPPHQ[Arg1055Thr]AGPFSSRWET